The following is an entry in ClinVar:

NM_198428.3(BBS9):c.196G>T (p.Glu66Ter)

Gene: BBS9 (Bardet-Biedl syndrome 9; plus strand). Cytogenetic location: 7p14.3.
Variant type: single nucleotide variant.
Coding change: c.196G>T on transcript NM_198428.3 (MANE Select); coding-DNA position 196, G replaced by T.
Protein change: p.Glu66Ter; replaces glutamic acid 66 with a stop codon.
Molecular consequence: nonsense. On other transcripts: 5 prime UTR variant (4), non-coding transcript variant (3), intron variant (2).
Genome position (GRCh38, 1-based): chr7:33,152,784, G>T. VCF-style: chr7-33152784-G-T. GRCh37 (hg19) VCF-style: chr7-33192396-G-T.
Other names: c.196G>T, p.Glu66Ter (NM_001033604.2, NM_001033605.2, NM_001348036.1 and 7 more transcripts); c.-106G>T (NM_001348037.3, NM_001348045.3); c.-82G>T (NM_001348038.3, NM_001348039.3); c.61G>T, p.Glu21Ter (NM_001348042.3); c.-39+22743G>T (NM_001348046.3, NM_001348044.3); short protein forms E21*, E66*.
Identifiers: ClinVar variation 2680103 (VCV002680103.5), dbSNP rs773577974, ClinGen allele CA4213898.

ClinVar aggregate classification (germline): Pathogenic/Likely pathogenic. Review status: criteria provided, multiple submitters, no conflicts (2 of 4 stars). 4 submissions from 4 submitters: Pathogenic (1); Likely pathogenic (3). Last evaluated 2025-04-29.

Conditions:
Bardet-Biedl syndrome 9 (BBS9). Identifiers: Orphanet 110, MedGen C1859567, MONDO:0014437, OMIM 615986.
BBS9-related disorder. Also called: BBS9-related condition.
Bardet-Biedl syndrome (BBS). Identifiers: Orphanet 110, MedGen C0752166, MONDO:0015229.

gnomAD v4.1: 9 of 1,613,530 alleles (0.00056%); highest among the groups gnomAD compares: Non-Finnish European, 0.000085%; no homozygotes.

Submissions (4):

Labcorp Genetics (formerly Invitae), Labcorp
Classification: Pathogenic for Bardet-Biedl syndrome. Last evaluated: 2025-04-29. Review status: criteria provided, single submitter. Criteria: Invitae Variant Classification Sherloc (09022015). Collection method: clinical testing. Allele origin: germline.
Comment: This sequence change creates a premature translational stop signal (p.Glu66*) in the BBS9 gene. It is expected to result in an absent or disrupted protein product. Loss-of-function variants in BBS9 are known to be pathogenic (PMID: 16380913, 20177705). The frequency data for this variant in the population databases is considered unreliable, as metrics indicate poor data quality at this position in the gnomAD database. This variant has not been reported in the literature in individuals affected with BBS9-related conditions. ClinVar contains an entry for this variant (Variation ID: 2680103). For these reasons, this variant has been classified as Pathogenic.

Fulgent Genetics
Classification: Likely pathogenic for Bardet-Biedl syndrome 9. Last evaluated: 2024-03-08. Review status: criteria provided, single submitter. Criteria: ACMG Guidelines, 2015. Collection method: clinical testing. Allele origin: germline.

Baylor Genetics
Classification: Likely pathogenic for Bardet-Biedl syndrome 9. Last evaluated: 2022-08-07. Review status: criteria provided, single submitter. Criteria: ACMG Guidelines, 2015. Collection method: clinical testing. Allele origin: unknown.

Blueprint Genetics
Classification: Likely pathogenic for BBS9-related disorders. Last evaluated: 2022-03-24. Review status: criteria provided, single submitter. Criteria: ACMG Guidelines, 2015. Collection method: clinical testing. Allele origin: germline. Affected: yes. Observed: 1 variant allele.

Literature cited by the submitters: PubMed 16380913 (cited by Labcorp Genetics (formerly Invitae), Labcorp); PubMed 20177705 (cited by Labcorp Genetics (formerly Invitae), Labcorp).